The following is an entry in ClinVar:

NM_201384.3(PLEC):c.5989G>A (p.Glu1997Lys)

Gene: PLEC (plectin; minus strand). Cytogenetic location: 8q24.3.
Variant type: single nucleotide variant.
Coding change: c.5989G>A on transcript NM_201384.3 (MANE Select); coding-DNA position 5989, G replaced by A.
Protein change: p.Glu1997Lys; replaces glutamic acid 1997 with lysine.
Molecular consequence: missense variant.
Genome position (GRCh38, 1-based): chr8:143,923,940, C>T on the plus strand (G>A on the coding strand, the complement: PLEC is on the minus strand). VCF-style: chr8-143923940-C-T. GRCh37 (hg19) VCF-style: chr8-144998108-C-T.
Other names: c.6070G>A, p.Glu2024Lys (NM_000445.5); c.5947G>A, p.Glu1983Lys (NM_201378.4); c.5923G>A, p.Glu1975Lys (NM_201379.3); c.6400G>A, p.Glu2134Lys (NM_201380.4); c.5893G>A, p.Glu1965Lys (NM_201381.3); c.5989G>A, p.Glu1997Lys (NM_201382.4); c.6001G>A, p.Glu2001Lys (NM_201383.3); c.6070G>A (NM_000445.3); short protein forms E1965K, E2024K, E1997K, E2134K, E1975K, E1983K, E2001K.
Identifiers: ClinVar variation 1381357 (VCV001381357.9), dbSNP rs373454032, ClinGen allele CA4926155.

ClinVar aggregate classification (germline): Uncertain significance. Review status: criteria provided, multiple submitters, no conflicts (2 of 4 stars). 3 submissions from 3 submitters: Uncertain significance (3). Last evaluated 2024-06-16.

Conditions:
Epidermolysis bullosa simplex 5B, with muscular dystrophy (EBS5B). Also called: Epidermolysis bullosa simplex with muscular dystrophy; EPIDERMOLYSIS BULLOSA SIMPLEX AND LIMB-GIRDLE MUSCULAR DYSTROPHY. Identifiers: Orphanet 257, MedGen C2931072, MONDO:0009181, OMIM 226670.
Epidermolysis bullosa simplex, Ogna type (EBS5A). Also called: Pidermolysis bullosa simplex 5A, Ogna type; EPIDERMOLYSIS BULLOSA SIMPLEX 5A, OGNA TYPE. Identifiers: Orphanet 79401, MedGen C0432317, MONDO:0007555, OMIM 131950.
Autosomal recessive limb-girdle muscular dystrophy type 2Q (LGMDR17). Also called: MUSCULAR DYSTROPHY, LIMB-GIRDLE, AUTOSOMAL RECESSIVE 17. Identifiers: Orphanet 254361, MedGen C3150989, MONDO:0013390, OMIM 613723.
Epidermolysis bullosa simplex with nail dystrophy (EBS5D). Identifiers: MedGen C4225309, MONDO:0014661, OMIM 616487.
Epidermolysis bullosa simplex 5C, with pyloric atresia (EBS5C). Also called: Epidermolysis bullosa simplex with pyloric atresia; PLEC-Related Epidermolysis Bullosa with Pyloric Atresia; PLEC1-Related Epidermolysis Bullosa with Pyloric Atresia. Identifiers: Orphanet 158684, MedGen C2677349, MONDO:0012807, OMIM 612138.
Inborn genetic diseases. Identifiers: MedGen C0950123, MeSH D030342.

Allele frequency attached by ClinVar (database versions not stated): gnomAD exomes 0.00002 and 0.00007; gnomAD 0.00003; TOPMed 0.00005; ESP Exome Variant Server 0.00009; ExAC 0.00011.
gnomAD v4.1: 30 of 1,594,102 alleles (0.0019%); highest among the groups gnomAD compares: Admixed American, 0.023%; no homozygotes.

Submissions (3):

Ambry Genetics
Classification: Uncertain significance for Inborn genetic diseases. Last evaluated: 2024-06-16. Review status: criteria provided, single submitter. Criteria: Ambry Variant Classification Scheme 2023. Collection method: clinical testing. Allele origin: germline.

Labcorp Genetics (formerly Invitae), Labcorp
Classification: Uncertain significance for Autosomal recessive limb-girdle muscular dystrophy type 2Q; Epidermolysis bullosa simplex, Ogna type; Epidermolysis bullosa simplex with nail dystrophy; Epidermolysis bullosa simplex 5C, with pyloric atresia; Epidermolysis bullosa simplex 5B, with muscular dystrophy. Last evaluated: 2023-08-07. Review status: criteria provided, single submitter. Criteria: Invitae Variant Classification Sherloc (09022015). Collection method: clinical testing. Allele origin: germline.
Comment: This sequence change replaces glutamic acid, which is acidic and polar, with lysine, which is basic and polar, at codon 2024 of the PLEC protein (p.Glu2024Lys). This variant is present in population databases (rs373454032, gnomAD 0.04%). This variant has not been reported in the literature in individuals affected with PLEC-related conditions. ClinVar contains an entry for this variant (Variation ID: 1381357). Experimental studies and prediction algorithms are not available or were not evaluated, and the functional significance of this variant is currently unknown. In summary, the available evidence is currently insufficient to determine the role of this variant in disease. Therefore, it has been classified as a Variant of Uncertain Significance.

Revvity Omics, Revvity
Classification: Uncertain significance. Last evaluated: 2021-06-02. Review status: criteria provided, single submitter. Criteria: ACMG Guidelines, 2015. Collection method: clinical testing. Allele origin: germline.